The following is an entry in ClinVar:

ClinVar aggregate classification (germline): Pathogenic (1 of 4 stars; one submission).

Conditions:
Exostoses, multiple, type 2 (EXT2). Also called: Hereditary Multiple Osteochondromatosis, Type II; EXOSTOSES, MULTIPLE, TYPE II. Identifiers: Orphanet 321, MedGen C1851413, MONDO:0007586, OMIM 133701.

Submission:

Labcorp Genetics (formerly Invitae), Labcorp
Classification: Pathogenic for Exostoses, multiple, type 2. Last evaluated: 2021-10-14. Review status: criteria provided, single submitter. Criteria: Invitae Variant Classification Sherloc (09022015). Collection method: clinical testing. Allele origin: germline.
Comment: This sequence change creates a premature translational stop signal (p.Gly260Valfs*10) in the EXT2 gene. It is expected to result in an absent or disrupted protein product. Loss-of-function variants in EXT2 are known to be pathogenic (PMID: 10679937, 19810120). This variant is not present in population databases (ExAC no frequency). This variant has not been reported in the literature in individuals affected with EXT2-related conditions. For these reasons, this variant has been classified as Pathogenic.

Literature cited by the submitters: PubMed 10679937; PubMed 19810120.

NM_207122.2(EXT2):c.779del (p.Gly260fs)

Gene: EXT2 (exostosin glycosyltransferase 2; plus strand). Cytogenetic location: 11p11.2.
Variant type: Deletion.
Coding change: c.779del on transcript NM_207122.2 (MANE Select); coding-DNA position 779, one base deleted (G; older notation c.779delG).
Protein change: p.Gly260fs; shifts the reading frame from glycine 260.
Molecular consequence: frameshift variant.
Genome position (GRCh38, 1-based): chr11:44,124,824, G deleted; the last of 3 consecutive G bases (chr11:44,124,822-44,124,824); deleting any one gives the same sequence. VCF-style (leftmost placement, unchanged base first): chr11-44124821-TG-T. GRCh37 (hg19) VCF-style: chr11-44146371-TG-T.
Other names: c.779del, p.Gly260fs (NM_001389628.1, NM_001389630.1, NM_001178083.3); c.878del, p.Gly293fs (NM_000401.3); short protein forms G260fs, G293fs.
Identifiers: ClinVar variation 1409142 (VCV001409142.6), dbSNP rs1410604006, ClinGen allele CA676708196.
Genomic context (GRCh38, chr11:44,124,821, plus strand): 5'-TCCAATCACCTGTTTTTTTCCCTTGTAGTCCACGGCAATACTTCCTCCTGTCATCTCAGG[TG>T]GGTCTCCATCCTGAGTACAGAGAGGACCTAGAAGCCCTCCAGGTCAAACATGGAGAGTCA-3'